The following is an entry in ClinVar:

ClinVar aggregate classification (germline): Likely benign. Review status: criteria provided, single submitter (1 of 4 stars). 2 submissions from 2 submitters: Likely benign (1). 1 of the submissions does not count toward it. Last evaluated 2024-10-11.

Conditions:
LARGE1-related disorder. Also called: LARGE1-related condition.
Muscular dystrophy-dystroglycanopathy type B6 (MDDGB6). Also called: MUSCULAR DYSTROPHY-DYSTROGLYCANOPATHY (CONGENITAL WITH IMPAIRED INTELLECTUAL DEVELOPMENT), TYPE B, 6; MUSCULAR DYSTROPHY, CONGENITAL, LARGE-RELATED; MUSCULAR DYSTROPHY, CONGENITAL, TYPE 1D. Identifiers: MedGen C1837229, MONDO:0012138, OMIM 608840.

Allele frequency attached by ClinVar (database versions not stated): gnomAD exomes below 0.00001 and 0.00001; TOPMed below 0.00001; gnomAD 0.00001.
gnomAD v4.1: 15 of 1,613,954 alleles (0.00093%); highest among the groups gnomAD compares: Non-Finnish European, 0.0013%; no homozygotes.

Submissions (2):

Labcorp Genetics (formerly Invitae), Labcorp
Classification: Likely benign for Muscular dystrophy-dystroglycanopathy type B6. Last evaluated: 2024-10-11. Review status: criteria provided, single submitter. Criteria: Invitae Variant Classification Sherloc (09022015). Collection method: clinical testing. Allele origin: germline.

PreventionGenetics, part of Exact Sciences
Classification: Likely benign for LARGE1-related condition. Last evaluated: 2023-06-09. Review status: no assertion criteria provided. Collection method: clinical testing. Allele origin: germline. Not counted in ClinVar's aggregate classification.
Comment: This variant is classified as likely benign based on ACMG/AMP sequence variant interpretation guidelines (Richards et al. 2015 PMID: 25741868, with internal and published modifications).

NM_133642.5(LARGE1):c.492-10C>T

Gene: LARGE1 (LARGE xylosyl- and glucuronyltransferase 1; minus strand). Cytogenetic location: 22q12.3.
Variant type: single nucleotide variant.
Coding change: c.492-10C>T on transcript NM_133642.5 (MANE Select); 10 bases into the intron before coding-DNA position 492, C replaced by T.
Molecular consequence: intron variant.
Genome position (GRCh38, 1-based): chr22:33,604,568, G>A on the plus strand (C>T on the coding strand, the complement: LARGE1 is on the minus strand). VCF-style: chr22-33604568-G-A. GRCh37 (hg19) VCF-style: chr22-34000554-G-A.
Other names: c.492-10C>T (NM_004737.5, NM_001362953.2, NM_001362949.2 and 8 more transcripts).
Identifiers: ClinVar variation 1503679 (VCV001503679.10), dbSNP rs1452229191, ClinGen allele CA639295817.